The following is an entry in ClinVar:

ClinVar aggregate classification (germline): Pathogenic (1 of 4 stars; one submission).

Conditions:
Elliptocytosis 2 (EL2). Also called: ELLIPTOCYTOSIS, RHESUS-UNLINKED TYPE. Identifiers: Orphanet 288, MedGen C1851741, MONDO:0007533, OMIM 130600.

Submission:

Baylor Genetics
Classification: Pathogenic for Elliptocytosis 2. Last evaluated: 2019-10-29. Review status: criteria provided, single submitter. Criteria: ACMG Guidelines, 2015. Collection method: clinical testing. Allele origin: maternal. Affected: yes.
Comment: This variant was determined to be pathogenic according to ACMG Guidelines, 2015 [PMID:25741868].

NM_003126.4(SPTA1):c.3163C>T (p.Gln1055Ter)

Gene: SPTA1 (spectrin alpha, erythrocytic 1; minus strand). Cytogenetic location: 1q23.1.
Variant type: single nucleotide variant.
Coding change: c.3163C>T on transcript NM_003126.4 (MANE Select); coding-DNA position 3163, C replaced by T.
Protein change: p.Gln1055Ter; replaces glutamine 1055 with a stop codon.
Molecular consequence: nonsense.
Genome position (GRCh38, 1-based): chr1:158,653,299, G>A on the plus strand (C>T on the coding strand, the complement: SPTA1 is on the minus strand). VCF-style: chr1-158653299-G-A. GRCh37 (hg19) VCF-style: chr1-158623089-G-A.
Other names: short protein forms Q1055*.
Identifiers: ClinVar variation 1030628 (VCV001030628.1), dbSNP rs1652590413, ClinGen allele CA343037918.